The following is an entry in ClinVar:

NM_001999.4(FBN2):c.1660G>C (p.Gly554Arg)

Gene: FBN2 (fibrillin 2; minus strand). Cytogenetic location: 5q23.3.
Variant type: single nucleotide variant.
Coding change: c.1660G>C on transcript NM_001999.4 (MANE Select); coding-DNA position 1660, G replaced by C.
Protein change: p.Gly554Arg; replaces glycine 554 with arginine.
Molecular consequence: missense variant.
Genome position (GRCh38, 1-based): chr5:128,378,834, C>G on the plus strand (G>C on the coding strand, the complement: FBN2 is on the minus strand). VCF-style: chr5-128378834-C-G. GRCh37 (hg19) VCF-style: chr5-127714527-C-G.
Other names: short protein forms G554R.
Identifiers: ClinVar variation 583325 (VCV000583325.9), dbSNP rs1283833434, ClinGen allele CA360743711.

ClinVar aggregate classification (germline): Uncertain significance (1 of 4 stars; one submission).

Conditions:
Congenital contractural arachnodactyly (CCA). Also called: BEALS SYNDROME; Arthrogryposis, distal, type 9; Beals-Hecht syndrome. Identifiers: Orphanet 115, MedGen C0220668, MONDO:0007363, OMIM 121050.

Submission:

Labcorp Genetics (formerly Invitae), Labcorp
Classification: Uncertain significance for Congenital contractural arachnodactyly. Last evaluated: 2018-05-02. Review status: criteria provided, single submitter. Criteria: Invitae Variant Classification Sherloc (09022015). Collection method: clinical testing. Allele origin: germline.
Comment: In summary, the available evidence is currently insufficient to determine the role of this variant in disease. Therefore, it has been classified as a Variant of Uncertain Significance. Algorithms developed to predict the effect of missense changes on protein structure and function do not agree on the potential impact of this missense change (SIFT: "Deleterious"; PolyPhen-2: "Probably Damaging"; Align-GVGD: "Class C15"). This variant has not been reported in the literature in individuals with FBN2-related disease. This variant is not present in population databases (ExAC no frequency). This sequence change replaces glycine with arginine at codon 554 of the FBN2 protein (p.Gly554Arg). The glycine residue is highly conserved and there is a moderate physicochemical difference between glycine and arginine.